The following is an entry in ClinVar:

ClinVar aggregate classification (germline): Uncertain significance (1 of 4 stars; one submission).

Conditions:
Chédiak-Higashi syndrome (CHS). Also called: Chediak-Higashi Syndrome. Identifiers: Orphanet 167, MedGen C0007965, MONDO:0008963, OMIM 214500.

Submission:

Labcorp Genetics (formerly Invitae), Labcorp
Classification: Uncertain significance for Chédiak-Higashi syndrome. Last evaluated: 2022-05-21. Review status: criteria provided, single submitter. Criteria: Invitae Variant Classification Sherloc (09022015). Collection method: clinical testing. Allele origin: germline.
Comment: This sequence change replaces cysteine, which is neutral and slightly polar, with arginine, which is basic and polar, at codon 943 of the LYST protein (p.Cys943Arg). This variant is not present in population databases (gnomAD no frequency). This variant has not been reported in the literature in individuals affected with LYST-related conditions. Algorithms developed to predict the effect of missense changes on protein structure and function output the following: SIFT: "Tolerated"; PolyPhen-2: "Benign"; Align-GVGD: "Class C0". The arginine amino acid residue is found in multiple mammalian species, which suggests that this missense change does not adversely affect protein function. In summary, the available evidence is currently insufficient to determine the role of this variant in disease. Therefore, it has been classified as a Variant of Uncertain Significance.

NM_000081.4(LYST):c.2827T>C (p.Cys943Arg)

Gene: LYST (lysosomal trafficking regulator; minus strand). Cytogenetic location: 1q42.3.
Variant type: single nucleotide variant.
Coding change: c.2827T>C on transcript NM_000081.4 (MANE Select); coding-DNA position 2827, T replaced by C.
Protein change: p.Cys943Arg; replaces cysteine 943 with arginine.
Molecular consequence: missense variant.
Genome position (GRCh38, 1-based): chr1:235,806,309, A>G on the plus strand (T>C on the coding strand, the complement: LYST is on the minus strand). VCF-style: chr1-235806309-A-G. GRCh37 (hg19) VCF-style: chr1-235969609-A-G.
Other names: c.2827T>C, p.Cys943Arg (NM_001301365.1); short protein forms C943R.
Identifiers: ClinVar variation 1997643 (VCV001997643.1), dbSNP rs750462786, ClinGen allele CA344955070.